The following is an entry in ClinVar:

NM_000059.4(BRCA2):c.2351T>A (p.Met784Lys)

Gene: BRCA2 (BRCA2 DNA repair associated; plus strand). Cytogenetic location: 13q13.1.
Variant type: single nucleotide variant.
Coding change: c.2351T>A on transcript NM_000059.4 (MANE Select); coding-DNA position 2351, T replaced by A.
Protein change: p.Met784Lys; replaces methionine 784 with lysine.
Molecular consequence: missense variant. On other transcripts: non-coding transcript variant (1), intron variant (2).
Genome position (GRCh38, 1-based): chr13:32,336,706, T>A. VCF-style: chr13-32336706-T-A. GRCh37 (hg19) VCF-style: chr13-32910843-T-A.
Other names: c.2351T>A, p.Met784Lys (NM_001406719.1, NM_001406720.1, NM_001432077.1); c.1909+3319T>A (NM_001406721.1); c.424+5676T>A (NM_001406722.1); short protein forms M784K.
Identifiers: ClinVar variation 3482176 (VCV003482176.1).

ClinVar aggregate classification (germline): Uncertain significance (1 of 4 stars; one submission).

Conditions:
Hereditary cancer-predisposing syndrome. Also called: Tumor predisposition; Neoplastic Syndromes, Hereditary; Hereditary Cancer Syndrome; Hereditary neoplastic syndrome. Identifiers: Orphanet 140162, MedGen C0027672, MeSH D009386, MONDO:0015356.

Submission:

Ambry Genetics
Classification: Uncertain significance for Hereditary cancer-predisposing syndrome. Last evaluated: 2024-11-09. Review status: criteria provided, single submitter. Criteria: Ambry Variant Classification Scheme 2023. Collection method: clinical testing. Allele origin: germline.
Comment: The p.M784K variant (also known as c.2351T>A), located in coding exon 10 of the BRCA2 gene, results from a T to A substitution at nucleotide position 2351. The methionine at codon 784 is replaced by lysine, an amino acid with similar properties. This amino acid position is conserved. In addition, this alteration is predicted to be tolerated by in silico analysis. Based on the available evidence, the clinical significance of this variant remains unclear.